The following is an entry in ClinVar:

ClinVar aggregate classification (germline): Uncertain significance (1 of 4 stars; one submission).

Allele frequency attached by ClinVar (database versions not stated): gnomAD exomes below 0.00001.
gnomAD v4.1: 4 of 1,614,212 alleles (0.00025%); highest among the groups gnomAD compares: Non-Finnish European, 0.00034%; no homozygotes.

Submission:

Labcorp Genetics (formerly Invitae), Labcorp
Classification: Uncertain significance. Last evaluated: 2022-10-13. Review status: criteria provided, single submitter. Criteria: Invitae Variant Classification Sherloc (09022015). Collection method: clinical testing. Allele origin: germline.
Comment: In summary, the available evidence is currently insufficient to determine the role of this variant in disease. Therefore, it has been classified as a Variant of Uncertain Significance. Advanced modeling of protein sequence and biophysical properties (such as structural, functional, and spatial information, amino acid conservation, physicochemical variation, residue mobility, and thermodynamic stability) performed at Invitae indicates that this missense variant is not expected to disrupt FAT4 protein function. This variant has not been reported in the literature in individuals affected with FAT4-related conditions. This variant is not present in population databases (gnomAD no frequency). This sequence change replaces methionine, which is neutral and non-polar, with leucine, which is neutral and non-polar, at codon 604 of the FAT4 protein (p.Met604Leu).

NM_001291303.3(FAT4):c.1810A>T (p.Met604Leu)

Gene: FAT4 (FAT atypical cadherin 4; plus strand). Cytogenetic location: 4q28.1.
Variant type: single nucleotide variant.
Coding change: c.1810A>T on transcript NM_001291303.3 (MANE Select); coding-DNA position 1810, A replaced by T.
Protein change: p.Met604Leu; replaces methionine 604 with leucine.
Molecular consequence: missense variant.
Genome position (GRCh38, 1-based): chr4:125,318,221, A>T. VCF-style: chr4-125318221-A-T. GRCh37 (hg19) VCF-style: chr4-126239376-A-T.
Other names: c.1810A>T, p.Met604Leu (NM_001291285.3, NM_024582.6); short protein forms M604L.
Identifiers: ClinVar variation 2039217 (VCV002039217.4), dbSNP rs2530430578, ClinGen allele CA358118707.